The following is an entry in ClinVar:

ClinVar aggregate classification (germline): Uncertain significance (1 of 4 stars; one submission).

Conditions:
Charcot-Marie-Tooth disease type 2. Also called: Charcot-Marie-Tooth type 2. Identifiers: Orphanet 64746, MedGen C0270914, MONDO:0018993.

Submission:

Labcorp Genetics (formerly Invitae), Labcorp
Classification: Uncertain significance for Charcot-Marie-Tooth disease type 2. Last evaluated: 2020-06-12. Review status: criteria provided, single submitter. Criteria: Invitae Variant Classification Sherloc (09022015). Collection method: clinical testing. Allele origin: germline.
Comment: This sequence change replaces arginine with proline at codon 296 of the AARS protein (p.Arg296Pro). The arginine residue is highly conserved and there is a moderate physicochemical difference between arginine and proline. This variant is not present in population databases (ExAC no frequency). This variant has not been reported in the literature in individuals with AARS-related conditions. Algorithms developed to predict the effect of missense changes on protein structure and function are either unavailable or do not agree on the potential impact of this missense change (SIFT: "Deleterious"; PolyPhen-2: "Probably Damaging"; Align-GVGD: "Class C0"). In summary, the available evidence is currently insufficient to determine the role of this variant in disease. Therefore, it has been classified as a Variant of Uncertain Significance.

NM_001605.3(AARS1):c.887G>C (p.Arg296Pro)

Gene: AARS1 (alanyl-tRNA synthetase 1; minus strand). Cytogenetic location: 16q22.1.
Variant type: single nucleotide variant.
Coding change: c.887G>C on transcript NM_001605.3 (MANE Select); coding-DNA position 887, G replaced by C.
Protein change: p.Arg296Pro; replaces arginine 296 with proline.
Molecular consequence: missense variant.
Genome position (GRCh38, 1-based): chr16:70,269,693, C>G on the plus strand (G>C on the coding strand, the complement: AARS1 is on the minus strand). VCF-style: chr16-70269693-C-G. GRCh37 (hg19) VCF-style: chr16-70303596-C-G.
Other names: short protein forms R296P.
Identifiers: ClinVar variation 1020676 (VCV001020676.8), dbSNP rs1375611364, ClinGen allele CA396564685.
Genomic context (GRCh38, chr16:70,269,693, plus strand): 5'-TCAGGCCGGCCACCATCAGCCAGTGCCACAGTGATGGTCCGAGCGTGGTCAGCCAGCACC[C>G]GGTAGGCCATGTCAATCCCATCGGCATCCTCAGCACCAACTTTCCCAGTGTATGGTCGGG-3'
Protein context (NP_001596.2, residues 286-306): EDADGIDMAY[Arg296Pro]VLADHARTIT